The following is an entry in ClinVar:

NM_001752.4(CAT):c.1434+4A>G

Gene: CAT (catalase; plus strand). Cytogenetic location: 11p13.
Variant type: single nucleotide variant.
Coding change: c.1434+4A>G on transcript NM_001752.4 (MANE Select); 4 bases into the intron after coding-DNA position 1434, A replaced by G.
Molecular consequence: intron variant.
Genome position (GRCh38, 1-based): chr11:34,468,399, A>G. VCF-style: chr11-34468399-A-G. GRCh37 (hg19) VCF-style: chr11-34489946-A-G.
Identifiers: ClinVar variation 4981147 (VCV004981147.1).

ClinVar aggregate classification (germline): Uncertain significance (1 of 4 stars; one submission).

Conditions:
CAT-related disorder. Also called: CAT-related condition.

gnomAD v4.1: 45 of 1,603,582 alleles (0.0028%); highest among the groups gnomAD compares: African/African-American, 0.054%; no homozygotes.

Submission:

PreventionGenetics, part of Exact Sciences
Classification: Uncertain significance for CAT-related condition. Last evaluated: 2026-01-13. Review status: criteria provided, single submitter. Criteria: ACMG Guidelines, 2015. Collection method: clinical testing. Allele origin: germline.
Comment: The CAT c.1434+4A>G variant is predicted to interfere with splicing. To our knowledge, this variant has not been reported in the literature. This variant is reported in 0.040% of alleles in individuals of African descent in gnomAD. At this time, the clinical significance of this variant is uncertain due to the absence of conclusive functional and genetic evidence.